The following is an entry in ClinVar:

ClinVar aggregate classification (germline): Likely pathogenic. Review status: criteria provided, multiple submitters, no conflicts (2 of 4 stars). 2 submissions from 2 submitters: Likely pathogenic (2). Last evaluated 2024-05-02.

Conditions:
Autosomal recessive osteopetrosis 1. Also called: ALBERS-SCHONBERG DISEASE, AUTOSOMAL RECESSIVE; TCIRG1-Related Osteopetrosis; TCIRG1-Related Autosomal Recessive Osteopetrosis. Identifiers: Orphanet 667, MedGen C1850127, MONDO:0009815, OMIM 259700.
TCIRG1-related disorder. Also called: TCIRG1-related condition.

Submissions (2):

Fulgent Genetics
Classification: Likely pathogenic for Autosomal recessive osteopetrosis 1. Last evaluated: 2024-05-02. Review status: criteria provided, single submitter. Criteria: ACMG Guidelines, 2015. Collection method: clinical testing. Allele origin: germline.

PreventionGenetics, part of Exact Sciences
Classification: Likely pathogenic for TCIRG1-related condition. Last evaluated: 2022-09-06. Review status: criteria provided, single submitter. Criteria: ACMG Guidelines, 2015. Collection method: clinical testing. Allele origin: germline.
Comment: The TCIRG1 c.1315_1325del11 variant is predicted to result in a frameshift and premature protein termination (p.Thr439Glyfs*47). To our knowledge, this variant has not been reported in the literature or in a large population database, indicating this variant is rare. Frameshift variants in TCIRG1 gene are expected to be pathogenic. This variant is interpreted as likely pathogenic.

NM_006019.4(TCIRG1):c.1315_1325del (p.Thr439fs)

Gene: TCIRG1 (T cell immune regulator 1, ATPase H+ transporting V0 subunit a3; plus strand). Cytogenetic location: 11q13.2.
Variant type: Deletion.
Coding change: c.1315_1325del on transcript NM_006019.4 (MANE Select); coding-DNA positions 1315 to 1325, 11 bases deleted (ACTTTCTTCAG).
Protein change: p.Thr439fs; shifts the reading frame from threonine 439.
Molecular consequence: frameshift variant.
Genome position (GRCh38, 1-based): chr11:68,047,656-68,047,666, ACTTTCTTCAG deleted; deleting any 11 consecutive bases within chr11:68,047,653-68,047,666 gives the same sequence; the c. name uses the placement nearest the transcript's 3' end. VCF-style (leftmost placement, unchanged base first): chr11-68047652-GCAGACTTTCTT-G. GRCh37 (hg19) VCF-style: chr11-67815119-GCAGACTTTCTT-G.
Other names: c.421_431del, p.Thr141fs (NM_001351059.2); c.667_677del, p.Thr223fs (NM_006053.4); short protein forms T141fs, T223fs, T439fs.
Identifiers: ClinVar variation 2636282 (VCV002636282.2), dbSNP rs2495645977, ClinGen allele CA2695198930.